The following is an entry in ClinVar:

NM_001029883.3(PCARE):c.1835T>C (p.Leu612Pro)

Gene: PCARE (photoreceptor cilium actin regulator; minus strand). Cytogenetic location: 2p23.2.
Variant type: single nucleotide variant.
Coding change: c.1835T>C on transcript NM_001029883.3 (MANE Select); coding-DNA position 1835, T replaced by C.
Protein change: p.Leu612Pro; replaces leucine 612 with proline.
Molecular consequence: missense variant.
Genome position (GRCh38, 1-based): chr2:29,072,427, A>G on the plus strand (T>C on the coding strand, the complement: PCARE is on the minus strand). VCF-style: chr2-29072427-A-G. GRCh37 (hg19) VCF-style: chr2-29295293-A-G.
Other names: short protein forms L612P.
Identifiers: ClinVar variation 734530 (VCV000734530.14), dbSNP rs200758183, ClinGen allele CA1592346.

ClinVar aggregate classification (germline): Likely benign. Review status: criteria provided, multiple submitters, no conflicts (2 of 4 stars). 4 submissions from 4 submitters: Likely benign (4). Last evaluated 2026-04-15.

Conditions:
PCARE-related disorder. Also called: PCARE-related condition.

Allele frequency attached by ClinVar (database versions not stated): gnomAD exomes 0.00010 and 0.00029; ExAC 0.00037; ESP Exome Variant Server 0.00088; gnomAD 0.00109 and 0.00116; TOPMed 0.00126; 1000 Genomes Project 0.00140; 1000 Genomes Project 30x 0.00141.
gnomAD v4.1: 306 of 1,614,158 alleles (0.019%); highest among the groups gnomAD compares: African/African-American, 0.39%; 2 homozygotes.

Submissions (4):

PreventionGenetics, part of Exact Sciences
Classification: Likely benign for PCARE-related condition. Last evaluated: 2026-04-15. Review status: criteria provided, single submitter. Criteria: ACMG Guidelines, 2015. Collection method: clinical testing. Allele origin: germline.
Comment: This variant is classified as likely benign based on ACMG/AMP sequence variant interpretation guidelines (Richards et al. 2015 PMID: 25741868, with internal and published modifications).

Labcorp Genetics (formerly Invitae), Labcorp
Classification: Likely benign. Last evaluated: 2026-01-24. Review status: criteria provided, single submitter. Criteria: Invitae Variant Classification Sherloc (09022015). Collection method: clinical testing. Allele origin: germline.

Blueprint Genetics
Classification: Likely benign. Last evaluated: 2024-07-23. Review status: criteria provided, single submitter. Criteria: ACMG Guidelines, 2015. Collection method: clinical testing. Allele origin: germline.

Breakthrough Genomics
Classification: Likely benign. Review status: criteria provided, single submitter. Criteria: ACMG Guidelines, 2015. Collection method: not provided. Allele origin: germline. Inheritance: Unknown mechanism. Affected: yes.